The following is an entry in ClinVar:

NM_014727.3(KMT2B):c.4449G>C (p.Glu1483Asp)

Gene: KMT2B (lysine methyltransferase 2B; plus strand). Cytogenetic location: 19q13.12.
Variant type: single nucleotide variant.
Coding change: c.4449G>C on transcript NM_014727.3 (MANE Select); coding-DNA position 4449, G replaced by C.
Protein change: p.Glu1483Asp; replaces glutamic acid 1483 with aspartic acid.
Molecular consequence: missense variant.
Genome position (GRCh38, 1-based): chr19:35,727,937, G>C. VCF-style: chr19-35727937-G-C. GRCh37 (hg19) VCF-style: chr19-36218838-G-C.
Other names: short protein forms E1483D.
Identifiers: ClinVar variation 3657489 (VCV003657489.2).
Genomic context (GRCh38, chr19:35,727,937, plus strand): 5'-ACAGCACAGCTTCATGGAGGACATGGTGGGCATCCTCATGCGGCACTCGGAGGAGGGAGA[G>C]ACCCCGGACCGCCGGGCTGGAGGCCAGATGAAGGGGCTCCTGCTGAAGGTGAGCTCTTCC-3'
Protein context (NP_055542.1, residues 1473-1493): GILMRHSEEG[Glu1483Asp]TPDRRAGGQM

ClinVar aggregate classification (germline): Uncertain significance (1 of 4 stars; one submission).

Submission:

Labcorp Genetics (formerly Invitae), Labcorp
Classification: Uncertain significance. Last evaluated: 2024-07-02. Review status: criteria provided, single submitter. Criteria: Invitae Variant Classification Sherloc (09022015). Collection method: clinical testing. Allele origin: germline.
Comment: This sequence change replaces glutamic acid, which is acidic and polar, with aspartic acid, which is acidic and polar, at codon 1483 of the KMT2B protein (p.Glu1483Asp). This variant is not present in population databases (gnomAD no frequency). This variant has not been reported in the literature in individuals affected with KMT2B-related conditions. Advanced modeling of protein sequence and biophysical properties (such as structural, functional, and spatial information, amino acid conservation, physicochemical variation, residue mobility, and thermodynamic stability) performed at Invitae indicates that this missense variant is not expected to disrupt KMT2B protein function with a negative predictive value of 95%. In summary, the available evidence is currently insufficient to determine the role of this variant in disease. Therefore, it has been classified as a Variant of Uncertain Significance.